The following is an entry in ClinVar:

NM_000090.4(COL3A1):c.1340G>A (p.Gly447Asp)

Gene: COL3A1 (collagen type III alpha 1 chain; plus strand). Cytogenetic location: 2q32.2.
Variant type: single nucleotide variant.
Coding change: c.1340G>A on transcript NM_000090.4 (MANE Select); coding-DNA position 1340, G replaced by A.
Protein change: p.Gly447Asp; replaces glycine 447 with aspartic acid.
Molecular consequence: missense variant.
Genome position (GRCh38, 1-based): chr2:188,994,587, G>A. VCF-style: chr2-188994587-G-A. GRCh37 (hg19) VCF-style: chr2-189859313-G-A.
Other names: short protein forms G447D.
Identifiers: ClinVar variation 3634090 (VCV003634090.2).

ClinVar aggregate classification (germline): Pathogenic (1 of 4 stars; one submission).

Conditions:
Ehlers-Danlos syndrome, type 4 (EDSVASC). Also called: Ehlers-Danlos syndrome vascular type; Ehlers Danlos syndrome, ecchymotic type; Ehlers Danlos syndrome, arterial type; Ehlers Danlos syndrome, Sack-Barabas type; Ehlers-Danlos Syndrome Type IV. Identifiers: Orphanet 286, MedGen C0268338, MONDO:0017314, OMIM 130050.

Submission:

Labcorp Genetics (formerly Invitae), Labcorp
Classification: Pathogenic for Ehlers-Danlos syndrome, type 4. Last evaluated: 2024-04-10. Review status: criteria provided, single submitter. Criteria: Invitae Variant Classification Sherloc (09022015). Collection method: clinical testing. Allele origin: germline.
Comment: This sequence change replaces glycine, which is neutral and non-polar, with aspartic acid, which is acidic and polar, at codon 447 of the COL3A1 protein (p.Gly447Asp). This variant is not present in population databases (gnomAD no frequency). This missense change has been observed in individuals with COL3A1-related conditions (PMID: 36304539; Invitae). Advanced modeling of protein sequence and biophysical properties (such as structural, functional, and spatial information, amino acid conservation, physicochemical variation, residue mobility, and thermodynamic stability) performed at Invitae indicates that this missense variant is expected to disrupt COL3A1 protein function with a positive predictive value of 95%. This variant disrupts the triple helix domain of COL3A1. Glycine residues within the Gly-Xaa-Yaa repeats of the triple helix domain are required for the structure and stability of fibrillar collagens (PMID: 7695699, 8218237, 19344236). In COL3A1, variants that affect these glycine residues are significantly enriched in individuals with disease (PMID: 24922459, 25758994) compared to the general population (ExAC). For these reasons, this variant has been classified as Pathogenic.

Literature cited by the submitters: PubMed 36304539; PubMed 7695699; PubMed 8218237; PubMed 19344236; PubMed 24922459; PubMed 25758994.